The following is an entry in ClinVar:

ClinVar aggregate classification (germline): Conflicting classifications of pathogenicity. Review status: criteria provided, conflicting classifications (1 of 4 stars). 2 submissions from 2 submitters: Likely pathogenic (1); Uncertain significance (1). Last evaluated 2025-02-16.

Conditions:
Autosomal dominant childhood-onset proximal spinal muscular atrophy with contractures (SMALED2A). Also called: SPINAL MUSCULAR ATROPHY, LOWER EXTREMITY-PREDOMINANT, 2A, CHILDHOOD ONSET, AUTOSOMAL DOMINANT; Spinal muscular atrophy, lower extremity-predominant, 2A, autosomal dominant. Identifiers: Orphanet 363447, Orphanet 363454, MedGen C4747715, MONDO:0014121, OMIM 615290.

Submissions (2):

Laboratory of Genetics, Children's Clinical University Hospital Latvia
Classification: Likely pathogenic. Last evaluated: 2025-02-16. Review status: criteria provided, single submitter. Criteria: ACMG Guidelines, 2015. Collection method: clinical testing. Allele origin: germline. Affected: yes.

Labcorp Genetics (formerly Invitae), Labcorp
Classification: Uncertain significance for Autosomal dominant childhood-onset proximal spinal muscular atrophy with contractures. Last evaluated: 2018-07-13. Review status: criteria provided, single submitter. Criteria: Invitae Variant Classification Sherloc (09022015). Collection method: clinical testing. Allele origin: germline.
Comment: This sequence change replaces lysine with methionine at codon 686 of the BICD2 protein (p.Lys686Met). The lysine residue is highly conserved and there is a moderate physicochemical difference between lysine and methionine. This variant is not present in population databases (ExAC no frequency). This variant has not been reported in the literature in individuals with BICD2-related disease. Algorithms developed to predict the effect of missense changes on protein structure and function (SIFT, PolyPhen-2, Align-GVGD) all suggest that this variant is likely to be disruptive, but these predictions have not been confirmed by published functional studies and their clinical significance is uncertain. In summary, the available evidence is currently insufficient to determine the role of this variant in disease. Therefore, it has been classified as a Variant of Uncertain Significance.

NM_001003800.2(BICD2):c.2057A>T (p.Lys686Met)

Gene: BICD2 (BICD cargo adaptor 2; minus strand). Cytogenetic location: 9q22.31.
Variant type: single nucleotide variant.
Coding change: c.2057A>T on transcript NM_001003800.2 (MANE Select); coding-DNA position 2057, A replaced by T.
Protein change: p.Lys686Met; replaces lysine 686 with methionine.
Molecular consequence: missense variant.
Genome position (GRCh38, 1-based): chr9:92,718,588, T>A on the plus strand (A>T on the coding strand, the complement: BICD2 is on the minus strand). VCF-style: chr9-92718588-T-A. GRCh37 (hg19) VCF-style: chr9-95480870-T-A.
Other names: c.2057A>T, p.Lys686Met (NM_015250.4); short protein forms K686M.
Identifiers: ClinVar variation 640522 (VCV000640522.10), dbSNP rs1587668129, ClinGen allele CA374034010.
Genomic context (GRCh38, chr9:92,718,588, plus strand): 5'-TGGCACCTCACCTGCTTGTTGGCCTTGAGCACAGTGCGCAGCGTGGTGATCTGCTCCCGC[T>A]TGGTGCTGAGCAGCGACTTCAGCTTGAGGATCTCCTCCATAAGCGCTTCCTTGTCCTTGT-3'
Protein context (NP_001003800.1, residues 676-696): ILKLKSLLST[Lys686Met]REQITTLRTV